The following is an entry in ClinVar:

ClinVar aggregate classification (germline): Uncertain significance (1 of 4 stars; one submission).

Allele frequency attached by ClinVar (database versions not stated): gnomAD 0.00001; TOPMed 0.00002.
gnomAD v4.1: 9 of 1,611,422 alleles (0.00056%); highest among the groups gnomAD compares: Middle Eastern, 0.033%; no homozygotes.

Submission:

Labcorp Genetics (formerly Invitae), Labcorp
Classification: Uncertain significance. Last evaluated: 2022-07-09. Review status: criteria provided, single submitter. Criteria: Invitae Variant Classification Sherloc (09022015). Collection method: clinical testing. Allele origin: germline.
Comment: This sequence change replaces methionine, which is neutral and non-polar, with leucine, which is neutral and non-polar, at codon 476 of the PLOD2 protein (p.Met476Leu). This variant is not present in population databases (gnomAD no frequency). This variant has not been reported in the literature in individuals affected with PLOD2-related conditions. Algorithms developed to predict the effect of missense changes on protein structure and function (SIFT, PolyPhen-2, Align-GVGD) all suggest that this variant is likely to be tolerated. In summary, the available evidence is currently insufficient to determine the role of this variant in disease. Therefore, it has been classified as a Variant of Uncertain Significance.

NM_182943.3(PLOD2):c.1426A>T (p.Met476Leu)

Gene: PLOD2 (procollagen-lysine,2-oxoglutarate 5-dioxygenase 2; minus strand). Cytogenetic location: 3q24.
Variant type: single nucleotide variant.
Coding change: c.1426A>T on transcript NM_182943.3 (MANE Select); coding-DNA position 1426, A replaced by T.
Protein change: p.Met476Leu; replaces methionine 476 with leucine.
Molecular consequence: missense variant.
Genome position (GRCh38, 1-based): chr3:146,079,190, T>A on the plus strand (A>T on the coding strand, the complement: PLOD2 is on the minus strand). VCF-style: chr3-146079190-T-A. GRCh37 (hg19) VCF-style: chr3-145796977-T-A.
Other names: c.1426A>T, p.Met476Leu (NM_000935.3); short protein forms M476L.
Identifiers: ClinVar variation 1942116 (VCV001942116.5), dbSNP rs760719307, ClinGen allele CA84507662.